The following is an entry in ClinVar:

NM_001369.3(DNAH5):c.4589A>G (p.Glu1530Gly)

Genes: DNAH5 (dynein axonemal heavy chain 5; minus strand), DNAH5-AS1 (DNAH5 antisense RNA 1; plus strand). Cytogenetic location: 5p15.2.
Variant type: single nucleotide variant.
Coding change: c.4589A>G on transcript NM_001369.3 (MANE Select); coding-DNA position 4589, A replaced by G.
Protein change: p.Glu1530Gly; replaces glutamic acid 1530 with glycine.
Molecular consequence: missense variant.
Genome position (GRCh38, 1-based): chr5:13,864,404, T>C on the plus strand (A>G on the coding strand, the complement: DNAH5 is on the minus strand). VCF-style: chr5-13864404-T-C. GRCh37 (hg19) VCF-style: chr5-13864513-T-C.
Other names: c.4589A>G (NM_001369.2); short protein forms E1530G.
Identifiers: ClinVar variation 2152647 (VCV002152647.2), dbSNP rs1445337310, ClinGen allele CA359223573.

ClinVar aggregate classification (germline): Uncertain significance. Review status: criteria provided, multiple submitters, no conflicts (2 of 4 stars). 2 submissions from 2 submitters: Uncertain significance (2). Last evaluated 2024-11-13.

Conditions:
Primary ciliary dyskinesia. Also called: Ciliary dyskinesia. Identifiers: Orphanet 244, MedGen C0008780, MONDO:0016575, HP:0012265.

Allele frequency attached by ClinVar (database versions not stated): TOPMed below 0.00001; gnomAD 0.00001.
gnomAD v4.1: 1 of 1,613,832 alleles (0.000062%); highest among the groups gnomAD compares: Non-Finnish European, 0.000085%; no homozygotes.

Submissions (2):

Ambry Genetics
Classification: Uncertain significance for Primary ciliary dyskinesia. Last evaluated: 2024-11-13. Review status: criteria provided, single submitter. Criteria: Ambry Variant Classification Scheme 2023. Collection method: clinical testing. Allele origin: germline.

Labcorp Genetics (formerly Invitae), Labcorp
Classification: Uncertain significance for Primary ciliary dyskinesia. Last evaluated: 2022-08-15. Review status: criteria provided, single submitter. Criteria: Invitae Variant Classification Sherloc (09022015). Collection method: clinical testing. Allele origin: germline.
Comment: This sequence change replaces glutamic acid, which is acidic and polar, with glycine, which is neutral and non-polar, at codon 1530 of the DNAH5 protein (p.Glu1530Gly). This variant is not present in population databases (gnomAD no frequency). This variant has not been reported in the literature in individuals affected with DNAH5-related conditions. Advanced modeling of protein sequence and biophysical properties (such as structural, functional, and spatial information, amino acid conservation, physicochemical variation, residue mobility, and thermodynamic stability) performed at Invitae indicates that this missense variant is not expected to disrupt DNAH5 protein function. In summary, the available evidence is currently insufficient to determine the role of this variant in disease. Therefore, it has been classified as a Variant of Uncertain Significance.